The following is an entry in ClinVar:

ClinVar aggregate classification (germline): Uncertain significance. Review status: criteria provided, multiple submitters, no conflicts (2 of 4 stars). 3 submissions from 3 submitters: Uncertain significance (3). Last evaluated 2024-04-12.

Conditions:
Inborn genetic diseases. Identifiers: MedGen C0950123, MeSH D030342.
Compton-North congenital myopathy (CMYO12). Identifiers: Orphanet 210163, MedGen C2675527, MONDO:0012929, OMIM 612540.

Allele frequency attached by ClinVar (database versions not stated): ExAC 0.00001; gnomAD exomes 0.00001; gnomAD 0.00007 and 0.00008; TOPMed 0.00015.
gnomAD v4.1: 48 of 1,613,350 alleles (0.003%); highest among the groups gnomAD compares: Admixed American, 0.015%; no homozygotes.

Submissions (3):

Ambry Genetics
Classification: Uncertain significance for Inborn genetic diseases. Last evaluated: 2024-04-12. Review status: criteria provided, single submitter. Criteria: Ambry Variant Classification Scheme 2023. Collection method: clinical testing. Allele origin: germline.

Labcorp Genetics (formerly Invitae), Labcorp
Classification: Uncertain significance for Compton-North congenital myopathy. Last evaluated: 2022-08-09. Review status: criteria provided, single submitter. Criteria: Invitae Variant Classification Sherloc (09022015). Collection method: clinical testing. Allele origin: germline.
Comment: This sequence change replaces isoleucine, which is neutral and non-polar, with threonine, which is neutral and polar, at codon 896 of the CNTN1 protein (p.Ile896Thr). This variant is present in population databases (rs771657279, gnomAD 0.008%). This variant has not been reported in the literature in individuals affected with CNTN1-related conditions. ClinVar contains an entry for this variant (Variation ID: 423561). Advanced modeling of protein sequence and biophysical properties (such as structural, functional, and spatial information, amino acid conservation, physicochemical variation, residue mobility, and thermodynamic stability) performed at Invitae indicates that this missense variant is not expected to disrupt CNTN1 protein function. In summary, the available evidence is currently insufficient to determine the role of this variant in disease. Therefore, it has been classified as a Variant of Uncertain Significance.

GeneDx
Classification: Uncertain significance. Last evaluated: 2017-02-15. Review status: criteria provided, single submitter. Criteria: GeneDx Variant Classification (06012015). Collection method: clinical testing. Allele origin: germline. Affected: yes.
Comment: The I896T variant has not been published as a pathogenic variant, nor has it been reported as a benign variant to our knowledge. The I896T variant is not observed at a significant frequency in large population cohorts (Lek et al., 2016; 1000 Genomes Consortium et al., 2015; Exome Variant Server). This variant is a non-conservative amino acid substitution, which is likely to impact secondary protein structure as these residues differ in polarity, charge, size and/or other properties. This substitution occurs at a position that is conserved in mammals; however, missense variants in the CNTN1 gene have not been reported in the Human Gene Mutation Database in association with Compton-North congenital myopathy (Stenson et al., 2014). In silico analysis is inconsistent in its predictions as to whether or not the variant is damaging to the protein structure/function.

NM_001843.4(CNTN1):c.2687T>C (p.Ile896Thr)

Gene: CNTN1 (contactin 1; plus strand). Cytogenetic location: 12q12.
Variant type: single nucleotide variant.
Coding change: c.2687T>C on transcript NM_001843.4 (MANE Select); coding-DNA position 2687, T replaced by C.
Protein change: p.Ile896Thr; replaces isoleucine 896 with threonine.
Molecular consequence: missense variant.
Genome position (GRCh38, 1-based): chr12:41,025,313, T>C. VCF-style: chr12-41025313-T-C. GRCh37 (hg19) VCF-style: chr12-41419115-T-C.
Other names: c.2654T>C, p.Ile885Thr (NM_175038.2); c.2687T>C (NM_001843.2); short protein forms I896T, I885T.
Identifiers: ClinVar variation 423561 (VCV000423561.7), dbSNP rs771657279, ClinGen allele CA6517199.